The following is an entry in ClinVar:

NM_001174150.2(ARL13B):c.70C>T (p.Leu24Phe)

Gene: ARL13B (ARF like GTPase 13B; plus strand). Cytogenetic location: 3q11.1.
Variant type: single nucleotide variant.
Coding change: c.70C>T on transcript NM_001174150.2 (MANE Select); coding-DNA position 70, C replaced by T.
Protein change: p.Leu24Phe; replaces leucine 24 with phenylalanine.
Molecular consequence: missense variant. On other transcripts: 5 prime UTR variant (1), intron variant (2), non-coding transcript variant (2).
Genome position (GRCh38, 1-based): chr3:93,995,884, C>T. VCF-style: chr3-93995884-C-T. GRCh37 (hg19) VCF-style: chr3-93714728-C-T.
Other names: c.-98C>T (NM_001321328.2); c.70C>T, p.Leu24Phe (NM_001410782.1, NM_182896.3); c.-179-7775C>T (NM_001174151.2); c.59+15402C>T (NM_144996.4); short protein forms L24F.
Identifiers: ClinVar variation 1912230 (VCV001912230.5), dbSNP rs777393140, ClinGen allele CA353675157.

ClinVar aggregate classification (germline): Uncertain significance (1 of 4 stars; one submission).

Conditions:
Joubert syndrome 8 (JBTS8). Identifiers: Orphanet 475, MedGen C2676771, MONDO:0012855, OMIM 612291.

gnomAD v4.1: 2 of 1,611,810 alleles (0.00012%); highest among the groups gnomAD compares: Non-Finnish European, 0.00017%; 1 homozygote.

Submission:

Labcorp Genetics (formerly Invitae), Labcorp
Classification: Uncertain significance for Joubert syndrome 8. Last evaluated: 2022-07-27. Review status: criteria provided, single submitter. Criteria: Invitae Variant Classification Sherloc (09022015). Collection method: clinical testing. Allele origin: germline.
Comment: In summary, the available evidence is currently insufficient to determine the role of this variant in disease. Therefore, it has been classified as a Variant of Uncertain Significance. Algorithms developed to predict the effect of missense changes on protein structure and function are either unavailable or do not agree on the potential impact of this missense change (SIFT: "Deleterious"; PolyPhen-2: "Probably Damaging"; Align-GVGD: "Class C0"). This variant has not been reported in the literature in individuals affected with ARL13B-related conditions. This variant is present in population databases (no rsID available, gnomAD 0.01%), including at least one homozygous and/or hemizygous individual. This sequence change replaces leucine, which is neutral and non-polar, with phenylalanine, which is neutral and non-polar, at codon 24 of the ARL13B protein (p.Leu24Phe).